The following is an entry in ClinVar:

ClinVar aggregate classification (germline): Uncertain significance (1 of 4 stars; one submission).

Submission:

Labcorp Genetics (formerly Invitae), Labcorp
Classification: Uncertain significance. Last evaluated: 2025-01-20. Review status: criteria provided, single submitter. Criteria: Invitae Variant Classification Sherloc (09022015). Collection method: clinical testing. Allele origin: germline.
Comment: This sequence change replaces proline, which is neutral and non-polar, with leucine, which is neutral and non-polar, at codon 101 of the HPS4 protein (p.Pro101Leu). This variant is not present in population databases (gnomAD no frequency). This variant has not been reported in the literature in individuals affected with HPS4-related conditions. ClinVar contains an entry for this variant (Variation ID: 1439530). An algorithm developed to predict the effect of missense changes on protein structure and function (PolyPhen-2) suggests that this variant is likely to be disruptive. In summary, the available evidence is currently insufficient to determine the role of this variant in disease. Therefore, it has been classified as a Variant of Uncertain Significance.

NM_022081.6(HPS4):c.302C>T (p.Pro101Leu)

Gene: HPS4 (HPS4 biogenesis of lysosomal organelles complex 3 subunit 2; minus strand). Cytogenetic location: 22q12.1.
Variant type: single nucleotide variant.
Coding change: c.302C>T on transcript NM_022081.6 (MANE Select); coding-DNA position 302, C replaced by T.
Protein change: p.Pro101Leu; replaces proline 101 with leucine.
Molecular consequence: missense variant. On other transcripts: non-coding transcript variant (8).
Genome position (GRCh38, 1-based): chr22:26,472,914, G>A on the plus strand (C>T on the coding strand, the complement: HPS4 is on the minus strand). VCF-style: chr22-26472914-G-A. GRCh37 (hg19) VCF-style: chr22-26868880-G-A.
Other names: c.302C>T, p.Pro101Leu (NM_001349896.1, NM_001349898.2, NM_001349899.2 and 6 more transcripts); c.287C>T, p.Pro96Leu (NM_152841.2); short protein forms P101L, P96L.
Identifiers: ClinVar variation 1439530 (VCV001439530.8), dbSNP rs2146818438, ClinGen allele CA411031728.